The following is an entry in ClinVar:

NM_001042492.3(NF1):c.1527+1167C>G

Gene: NF1 (neurofibromin 1; plus strand). Cytogenetic location: 17q11.2.
Variant type: single nucleotide variant.
Coding change: c.1527+1167C>G on transcript NM_001042492.3 (MANE Select); 1167 bases into the intron after coding-DNA position 1527, C replaced by G.
Molecular consequence: intron variant.
Genome position (GRCh38, 1-based): chr17:31,215,752, C>G. VCF-style: chr17-31215752-C-G. GRCh37 (hg19) VCF-style: chr17-29542770-C-G.
Other names: c.1527+1167C>G (NM_000267.4, NM_001128147.3).
Identifiers: ClinVar variation 4812905 (VCV004812905.1).
Genomic context (GRCh38, chr17:31,215,752, plus strand): 5'-GACATGTTTAACCTTTGTTGAGCTTCTTCAGTCCCTGGAGAGCAGCATCAAGCAAGGTTT[C>G]TTATCGTTTTGCTCAGTAACTGGCTTTTTAAAAAGTGTTAAGGTGCTTTCGATTTTGGTG-3'

ClinVar aggregate classification (germline): Uncertain significance (1 of 4 stars; one submission).

Submission:

GeneDx
Classification: Uncertain significance. Last evaluated: 2025-08-29. Review status: criteria provided, single submitter. Criteria: GeneDx Variant Classification Process June 2021. Collection method: clinical testing. Allele origin: germline. Affected: yes.
Comment: RNA studies found this variant is associated with aberrant splicing leading to premature truncation (PMID: 37186028); No data available from control populations to assess the frequency of this variant; This variant is associated with the following publications: (PMID: 37186028)